The following is an entry in ClinVar:

ClinVar aggregate classification (germline): Pathogenic (1 of 4 stars; one submission).

Submission:

Labcorp Genetics (formerly Invitae), Labcorp
Classification: Pathogenic. Last evaluated: 2024-11-02. Review status: criteria provided, single submitter. Criteria: Invitae Variant Classification Sherloc (09022015). Collection method: clinical testing. Allele origin: germline.
Comment: This sequence change creates a premature translational stop signal (p.Ser830*) in the ZNF469 gene. It is expected to result in an absent or disrupted protein product. Loss-of-function variants in ZNF469 are known to be pathogenic (PMID: 23642083, 23680354). This variant is not present in population databases (gnomAD no frequency). This variant has not been reported in the literature in individuals affected with ZNF469-related conditions. Algorithms developed to predict the effect of sequence changes on RNA splicing suggest that this variant may create or strengthen a splice site. For these reasons, this variant has been classified as Pathogenic.

Literature cited by the submitters: PubMed 23642083; PubMed 23680354.

NM_001367624.2(ZNF469):c.2489C>A (p.Ser830Ter)

Gene: ZNF469 (zinc finger protein 469; plus strand). Cytogenetic location: 16q24.2.
Variant type: single nucleotide variant.
Coding change: c.2489C>A on transcript NM_001367624.2 (MANE Select); coding-DNA position 2489, C replaced by A.
Protein change: p.Ser830Ter; replaces serine 830 with a stop codon.
Molecular consequence: nonsense.
Genome position (GRCh38, 1-based): chr16:88,429,959, C>A. VCF-style: chr16-88429959-C-A. GRCh37 (hg19) VCF-style: chr16-88496367-C-A.
Other names: short protein forms S830*.
Identifiers: ClinVar variation 3674975 (VCV003674975.2).